The following is an entry in ClinVar:

NM_020800.3(IFT80):c.1512G>T (p.Lys504Asn)

Genes: TRIM59-IFT80 (TRIM59-IFT80 readthrough (NMD candidate); minus strand), IFT80 (intraflagellar transport 80; minus strand). Cytogenetic location: 3q25.33.
Variant type: single nucleotide variant.
Coding change: c.1512G>T on transcript NM_020800.3 (MANE Select); coding-DNA position 1512, G replaced by T.
Protein change: p.Lys504Asn; replaces lysine 504 with asparagine.
Molecular consequence: missense variant. On other transcripts: non-coding transcript variant (3).
Genome position (GRCh38, 1-based): chr3:160,282,482, C>A on the plus strand (G>T on the coding strand, the complement: IFT80 is on the minus strand). VCF-style: chr3-160282482-C-A. GRCh37 (hg19) VCF-style: chr3-160000270-C-A.
Other names: c.1101G>T, p.Lys367Asn (NM_001190241.2, NM_001190242.2); short protein forms K504N, K367N.
Identifiers: ClinVar variation 1040446 (VCV001040446.8), dbSNP rs772287249, ClinGen allele CA2685135.

ClinVar aggregate classification (germline): Uncertain significance (1 of 4 stars; one submission).

Conditions:
Jeune thoracic dystrophy. Also called: Jeune syndrome; Short-rib thoracic dysplasia; Infantile thoracic dystrophy; Thoracic pelvic phalangeal dystrophy; Jeune's syndrome; Chondroectodermal dysplasia-like syndrome. Identifiers: Orphanet 474, MedGen C0265275, MONDO:0018770.

Allele frequency attached by ClinVar (database versions not stated): gnomAD exomes below 0.00001; TOPMed below 0.00001; ExAC 0.00001; gnomAD 0.00001.
gnomAD v4.1: 7 of 1,581,158 alleles (0.00044%); highest among the groups gnomAD compares: East Asian, 0.0022%; no homozygotes.

Submission:

Labcorp Genetics (formerly Invitae), Labcorp
Classification: Uncertain significance for Jeune thoracic dystrophy. Last evaluated: 2022-02-17. Review status: criteria provided, single submitter. Criteria: Invitae Variant Classification Sherloc (09022015). Collection method: clinical testing. Allele origin: germline.
Comment: In summary, the available evidence is currently insufficient to determine the role of this variant in disease. Therefore, it has been classified as a Variant of Uncertain Significance. Algorithms developed to predict the effect of missense changes on protein structure and function are either unavailable or do not agree on the potential impact of this missense change (SIFT: "Deleterious"; PolyPhen-2: "Possibly Damaging"; Align-GVGD: "Class C0"). This sequence change replaces lysine, which is basic and polar, with asparagine, which is neutral and polar, at codon 504 of the IFT80 protein (p.Lys504Asn). The frequency data for this variant in the population databases is considered unreliable, as metrics indicate poor data quality at this position in the gnomAD database. This variant has not been reported in the literature in individuals affected with IFT80-related conditions. ClinVar contains an entry for this variant (Variation ID: 1040446).